The following is an entry in ClinVar:

NM_000742.4(CHRNA2):c.131C>T (p.Pro44Leu)

Gene: CHRNA2 (cholinergic receptor nicotinic alpha 2 subunit; minus strand). Cytogenetic location: 8p21.2.
Variant type: single nucleotide variant.
Coding change: c.131C>T on transcript NM_000742.4 (MANE Select); coding-DNA position 131, C replaced by T.
Protein change: p.Pro44Leu; replaces proline 44 with leucine.
Molecular consequence: missense variant. On other transcripts: 5 prime UTR variant (4).
Genome position (GRCh38, 1-based): chr8:27,469,924, G>A on the plus strand (C>T on the coding strand, the complement: CHRNA2 is on the minus strand). VCF-style: chr8-27469924-G-A. GRCh37 (hg19) VCF-style: chr8-27327441-G-A.
Other names: c.131C>T, p.Pro44Leu (NM_001282455.2); c.-297C>T (NM_001347705.2); c.-342C>T (NM_001347706.2); c.-283C>T (NM_001347707.2); c.-331C>T (NM_001347708.2); short protein forms P44L.
Identifiers: ClinVar variation 3620734 (VCV003620734.2).

ClinVar aggregate classification (germline): Uncertain significance (1 of 4 stars; one submission).

Conditions:
Familial sleep-related hypermotor epilepsy. Also called: Autosomal Dominant Sleep-Related Hypermotor (Hyperkinetic) Epilepsy. Identifiers: Orphanet 98784, MedGen C3696898, MONDO:0000030.

gnomAD v4.1: 4 of 1,614,164 alleles (0.00025%); highest among the groups gnomAD compares: South Asian, 0.0044%; no homozygotes.

Submission:

Labcorp Genetics (formerly Invitae), Labcorp
Classification: Uncertain significance. Last evaluated: 2024-10-10. Review status: criteria provided, single submitter. Criteria: Invitae Variant Classification Sherloc (09022015). Collection method: clinical testing. Allele origin: germline.
Comment: This sequence change replaces proline, which is neutral and non-polar, with leucine, which is neutral and non-polar, at codon 44 of the CHRNA2 protein (p.Pro44Leu). This variant is present in population databases (rs778838030, gnomAD 0.003%). This variant has not been reported in the literature in individuals affected with CHRNA2-related conditions. Invitae Evidence Modeling of protein sequence and biophysical properties (such as structural, functional, and spatial information, amino acid conservation, physicochemical variation, residue mobility, and thermodynamic stability) indicates that this missense variant is not expected to disrupt CHRNA2 protein function with a negative predictive value of 95%. In summary, the available evidence is currently insufficient to determine the role of this variant in disease. Therefore, it has been classified as a Variant of Uncertain Significance.